The following is an entry in ClinVar:

ClinVar aggregate classification (germline): Uncertain significance (1 of 4 stars; one submission).

Conditions:
Hereditary cancer-predisposing syndrome. Also called: Hereditary Cancer Syndrome; Hereditary neoplastic syndrome; Neoplastic Syndromes, Hereditary; Tumor predisposition. Identifiers: Orphanet 140162, MedGen C0027672, MeSH D009386, MONDO:0015356.

Submission:

Ambry Genetics
Classification: Uncertain significance for Hereditary cancer-predisposing syndrome. Last evaluated: 2022-02-11. Review status: criteria provided, single submitter. Criteria: Ambry Variant Classification Scheme 2023. Collection method: clinical testing. Allele origin: germline.
Comment: The p.G50S variant (also known as c.148G>A), located in coding exon 1 of the FLCN gene, results from a G to A substitution at nucleotide position 148. The glycine at codon 50 is replaced by serine, an amino acid with similar properties. This amino acid position is highly conserved in available vertebrate species. In addition, the in silico prediction for this alteration is inconclusive. Since supporting evidence is limited at this time, the clinical significance of this alteration remains unclear.

NM_144997.7(FLCN):c.148G>A (p.Gly50Ser)

Gene: FLCN (folliculin; minus strand). Cytogenetic location: 17p11.2.
Variant type: single nucleotide variant.
Coding change: c.148G>A on transcript NM_144997.7 (MANE Select); coding-DNA position 148, G replaced by A.
Protein change: p.Gly50Ser; replaces glycine 50 with serine.
Molecular consequence: missense variant.
Genome position (GRCh38, 1-based): chr17:17,227,990, C>T on the plus strand (G>A on the coding strand, the complement: FLCN is on the minus strand). VCF-style: chr17-17227990-C-T. GRCh37 (hg19) VCF-style: chr17-17131304-C-T.
Other names: c.148G>A, p.Gly50Ser (NM_001353229.2, NM_001353230.2, NM_001353231.2 and 1 more transcripts); short protein forms G50S.
Identifiers: ClinVar variation 1773748 (VCV001773748.2), dbSNP rs2145044896, ClinGen allele CA398535226.
Genomic context (GRCh38, chr17:17,227,990, plus strand): 5'-CGACGCTGGCCCCCTCTGCGGGGCTGTGCGCACGCATCCGACTGTTCATCTGAATGCCAC[C>T]TTCCTCTTCTTCCGCCTGCTCACCCTGGCCAGGACTGTCCTCATTCCCATCCCCTTGAGG-3'
Protein context (NP_659434.2, residues 40-60): GQGEQAEEEE[Gly50Ser]GIQMNSRMRA